The following is an entry in ClinVar:

NM_001163809.2(WDR81):c.4591G>A (p.Val1531Met)

Gene: WDR81 (WD repeat domain 81; plus strand). Cytogenetic location: 17p13.3.
Variant type: single nucleotide variant.
Coding change: c.4591G>A on transcript NM_001163809.2 (MANE Select); coding-DNA position 4591, G replaced by A.
Protein change: p.Val1531Met; replaces valine 1531 with methionine.
Molecular consequence: missense variant.
Genome position (GRCh38, 1-based): chr17:1,733,628, G>A. VCF-style: chr17-1733628-G-A. GRCh37 (hg19) VCF-style: chr17-1636922-G-A.
Other names: c.982G>A, p.Val328Met (NM_001163673.2); c.910G>A, p.Val304Met (NM_001163811.2); c.1438G>A, p.Val480Met (NM_152348.4); short protein forms V1531M, V304M, V328M, V480M.
Identifiers: ClinVar variation 2690452 (VCV002690452.6), dbSNP rs147625451, ClinGen allele CA8273610.

ClinVar aggregate classification (germline): Conflicting classifications of pathogenicity. Review status: criteria provided, conflicting classifications (1 of 4 stars). 4 submissions from 4 submitters: Uncertain significance (2); Likely benign (2). Last evaluated 2025-05-13.

Conditions:
Inborn genetic diseases. Identifiers: MedGen C0950123, MeSH D030342.

Allele frequency attached by ClinVar (database versions not stated): 1000 Genomes Project 30x 0.00016; ExAC 0.00018; 1000 Genomes Project 0.00020; ESP Exome Variant Server 0.00023.
gnomAD v4.1: 281 of 1,598,348 alleles (0.018%); highest among the groups gnomAD compares: African/African-American, 0.04%; no homozygotes.

Submissions (4):

Revvity Omics, Revvity
Classification: Uncertain significance. Last evaluated: 2025-05-13. Review status: criteria provided, single submitter. Criteria: ACMG Guidelines, 2015. Collection method: clinical testing. Allele origin: germline.

Ambry Genetics
Classification: Likely benign for Inborn genetic diseases. Last evaluated: 2024-11-27. Review status: criteria provided, single submitter. Criteria: Ambry Variant Classification Scheme 2023. Collection method: clinical testing. Allele origin: germline.

Blueprint Genetics
Classification: Likely benign. Last evaluated: 2024-08-15. Review status: criteria provided, single submitter. Criteria: ACMG Guidelines, 2015. Collection method: clinical testing. Allele origin: germline.

Genetic Services Laboratory, University of Chicago
Classification: Uncertain significance. Last evaluated: 2023-08-07. Review status: criteria provided, single submitter. Criteria: ACMG Guidelines, 2015. Collection method: clinical testing. Allele origin: germline. Affected: no.
Comment: DNA sequence analysis of the WDR81 gene demonstrated a sequence change, c.4591G>A, in exon 7 that results in an amino acid change, p.Val1531Met. This sequence change does not appear to have been previously described in individuals with WDR81-related disorders. This sequence change has been described in the gnomAD database with an overall population frequency of 0.011% (dbSNP rs147625451). The p.Val1531Met change affects a poorly conserved amino acid residue located in a domain of the WDR81 protein that is not known to be functional. The p.Val1531Met substitution appears to be benign using several in-silico pathogenicity prediction tools (SIFT, PolyPhen2, Align GVGD, REVEL). Due to insufficient evidences and the lack of functional studies, the clinical significance of the p.Val1531Met change remains unknown at this time.